The following is an entry in ClinVar:

ClinVar aggregate classification (germline): Benign/Likely benign. Review status: criteria provided, multiple submitters, no conflicts (2 of 4 stars). 4 submissions from 4 submitters: Benign (3); Likely benign (1). Last evaluated 2026-04-01.

Conditions:
ARID1A-related disorder. Also called: ARID1A-related condition.

Allele frequency attached by ClinVar (database versions not stated): TOPMed 0.00009; gnomAD exomes 0.00108; ExAC 0.00124; 1000 Genomes Project 30x 0.00250; 1000 Genomes Project 0.00280.
gnomAD v4.1: 861 of 1,614,108 alleles (0.053%); highest among the groups gnomAD compares: South Asian, 0.9%; 13 homozygotes.

Submissions (4):

CeGaT Center for Human Genetics Tuebingen
Classification: Likely benign. Last evaluated: 2026-04-01. Review status: criteria provided, single submitter. Criteria: CeGaT Center For Human Genetics Tuebingen Variant Classification Criteria Version 2. Collection method: clinical testing. Allele origin: germline. Affected: yes. Observed: 1 variant allele.
Comment: ARID1A: BP4, BS2

Labcorp Genetics (formerly Invitae), Labcorp
Classification: Benign. Last evaluated: 2025-10-21. Review status: criteria provided, single submitter. Criteria: Invitae Variant Classification Sherloc (09022015). Collection method: clinical testing. Allele origin: germline.

PreventionGenetics, part of Exact Sciences
Classification: Benign for ARID1A-related condition. Last evaluated: 2025-06-03. Review status: criteria provided, single submitter. Criteria: ACMG Guidelines, 2015. Collection method: clinical testing. Allele origin: germline.
Comment: This variant is classified as benign based on ACMG/AMP sequence variant interpretation guidelines (Richards et al. 2015 PMID: 25741868, with internal and published modifications).

GeneDx
Classification: Benign. Last evaluated: 2020-09-18. Review status: criteria provided, single submitter. Criteria: GeneDx Variant Classification Process June 2021. Collection method: clinical testing. Allele origin: germline. Affected: yes.

NM_006015.6(ARID1A):c.5934C>T (p.Ala1978=)

Gene: ARID1A (AT-rich interaction domain 1A; plus strand). Cytogenetic location: 1p36.11.
Variant type: single nucleotide variant.
Coding change: c.5934C>T on transcript NM_006015.6 (MANE Select); coding-DNA position 5934, C replaced by T.
Protein change: p.Ala1978=; no amino-acid change (alanine 1978 retained).
Molecular consequence: synonymous variant.
Genome position (GRCh38, 1-based): chr1:26,779,832, C>T. VCF-style: chr1-26779832-C-T. GRCh37 (hg19) VCF-style: chr1-27106323-C-T.
Other names: c.5283C>T, p.Ala1761= (NM_139135.4).
Identifiers: ClinVar variation 1272268 (VCV001272268.9), dbSNP rs542663779, ClinGen allele CA707777.
Genomic context (GRCh38, chr1:26,779,832, plus strand): 5'-ACCCCACAGTAAGGATGAGACCCCACTGTGTACCCTTCTGGACTGGCAGGATTCTCTTGC[C>T]AAGCGCTGCGTCTGTGTGTCCAATACCATTCGAAGCCTGTCATTTGTGCCAGGCAATGAC-3'
Protein context (NP_006006.3, residues 1968-1988): CTLLDWQDSL[Ala1978=]KRCVCVSNTI